The following is an entry in ClinVar:

ClinVar aggregate classification (germline): Pathogenic. Review status: reviewed by expert panel (3 of 4 stars). 2 submissions from 2 submitters: Pathogenic (1). 1 of the submissions does not count toward it. Last evaluated 2016-10-18.

Conditions:
Breast-ovarian cancer, familial, susceptibility to, 1 (BROVCA1). Also called: BRCA1 Hereditary Breast and Ovarian Cancer; OVARIAN CANCER, SUSCEPTIBILITY TO. Identifiers: Orphanet 145, MedGen C2676676, MONDO:0011450, OMIM 604370. Disease mechanism: loss of function.

Submissions (2):

Evidence-based Network for the Interpretation of Germline Mutant Alleles (ENIGMA)
Classification: Pathogenic for Breast-ovarian cancer, familial, susceptibility to, 1. Last evaluated: 2016-10-18. Review status: reviewed by expert panel. Criteria: ENIGMA BRCA1/2 Classification Criteria (2015). Collection method: curation. Allele origin: germline.
Comment: Variant allele predicted to encode a truncated non-functional protein.

Consortium of Investigators of Modifiers of BRCA1/2 (CIMBA), c/o University of Cambridge
Classification: Pathogenic for Breast-ovarian cancer, familial, susceptibility to, 1. Last evaluated: 2015-10-02. Review status: criteria provided, single submitter. Criteria: CIMBA Mutation Classification guidelines May 2016. Collection method: clinical testing. Allele origin: germline. Not counted in ClinVar's aggregate classification.

NM_007294.4(BRCA1):c.3605dup (p.Tyr1202Ter)

Genes: BRCA1 (BRCA1 DNA repair associated; minus strand), LOC126862571 (BRD4-independent group 4 enhancer GRCh37_chr17:41243136-41244335; plus strand). Cytogenetic location: 17q21.31.
Variant type: Duplication.
Coding change: c.3605dup on transcript NM_007294.4 (MANE Select); coding-DNA position 3605, one base duplicated (A; older notation c.3605dupA).
Protein change: p.Tyr1202Ter; replaces tyrosine 1202 with a stop codon.
Molecular consequence: nonsense. On other transcripts: intron variant (135).
Genome position (GRCh38, 1-based): chr17:43,091,926, T duplicated on the plus strand (A on the coding strand, the reverse complement: BRCA1 is on the minus strand). VCF-style (leftmost placement, unchanged base first): chr17-43091925-G-GT. GRCh37 (hg19) VCF-style: chr17-41243942-G-GT.
Other names: 3724insA; c.3605dup, p.Tyr1202Ter (NM_007300.4, NM_001407581.1, NM_001407582.1 and 30 more transcripts); c.647-894dup (NM_001408458.1, NM_001408469.1, NM_001408453.1 and 11 more transcripts); c.284-894dup (NM_001408512.1); c.407-894dup (NM_001408510.1); c.644-894dup (NM_001408470.1, NM_001408464.1, NM_001408468.1 and 3 more transcripts); c.785-894dup (NM_001408397.1, NM_001408401.1, NM_001408396.1 and 13 more transcripts); c.665-894dup (NM_001408436.1, NM_001408444.1, NM_001408438.1 and 12 more transcripts); and 42 more; short protein forms Y1155*, Y1202*, Y1075*, Y1154*, Y1090*, Y1091*, Y1114*, Y1135*.
Identifiers: ClinVar variation 266392 (VCV000266392.6), dbSNP rs886040151, ClinGen allele CA10589734.